The following is an entry in ClinVar:

NM_000075.4(CDK4):c.570A>G (p.Thr190=)

Gene: CDK4 (cyclin dependent kinase 4; minus strand). Cytogenetic location: 12q14.1.
Variant type: single nucleotide variant.
Coding change: c.570A>G on transcript NM_000075.4 (MANE Select); coding-DNA position 570, A replaced by G.
Protein change: p.Thr190=; no amino-acid change (threonine 190 retained).
Molecular consequence: synonymous variant.
Genome position (GRCh38, 1-based): chr12:57,750,718, T>C on the plus strand (A>G on the coding strand, the complement: CDK4 is on the minus strand). VCF-style: chr12-57750718-T-C. GRCh37 (hg19) VCF-style: chr12-58144501-T-C.
Identifiers: ClinVar variation 3230238 (VCV003230238.2), dbSNP rs1428628208, ClinGen allele CA480301215.

ClinVar aggregate classification (germline): Conflicting classifications of pathogenicity. Review status: criteria provided, conflicting classifications (1 of 4 stars). 2 submissions from 2 submitters: Uncertain significance (1); Benign (1). Last evaluated 2024-09-26.

Conditions:
Melanoma, cutaneous malignant, susceptibility to, 3. Also called: Cutaneous malignant melanoma 3. Identifiers: Orphanet 618, MedGen C1836892, MONDO:0012183, OMIM 609048.
Hereditary cancer-predisposing syndrome. Also called: Neoplastic Syndromes, Hereditary; Tumor predisposition; Hereditary neoplastic syndrome; Hereditary Cancer Syndrome. Identifiers: Orphanet 140162, MedGen C0027672, MeSH D009386, MONDO:0015356.

gnomAD v4.1: 1 of 1,614,150 alleles (0.000062%); highest among the groups gnomAD compares: Non-Finnish European, 0.000085%; no homozygotes.

Submissions (2):

Myriad Genetics, Inc.
Classification: Benign for Melanoma, cutaneous malignant, susceptibility to, 3. Last evaluated: 2024-09-26. Review status: criteria provided, single submitter. Criteria: Myriad Autosomal Dominant, Autosomal Recessive and X-Linked Classification Criteria (2023). Collection method: clinical testing. Allele origin: unknown.
Comment: This variant is considered benign. This variant is a silent/synonymous amino acid change and it is not expected to impact splicing.

Ambry Genetics
Classification: Uncertain significance for Hereditary cancer-predisposing syndrome. Last evaluated: 2024-02-08. Review status: criteria provided, single submitter. Criteria: Ambry Variant Classification Scheme 2023. Collection method: clinical testing. Allele origin: germline.
Comment: The c.570A>G variant (also known as p.T190T), located in coding exon 4 of the CDK4 gene, results from an A to G substitution at nucleotide position 570. This nucleotide substitution does not change the threonine at codon 190. This nucleotide position is not well conserved in available vertebrate species. In silico splice site analysis predicts that this alteration may result in the creation or strengthening of a novel splice donor site. Based on the available evidence, the clinical significance of this alteration remains unclear.